The following is an entry in ClinVar:

ClinVar aggregate classification (germline): Likely pathogenic (1 of 4 stars; one submission).

Conditions:
Amyloidosis, hereditary systemic 1 (AMYLD1). Also called: AMYLOID CARDIOMYOPATHY; Hereditary oculoleptomeningeal amyloid angiopathy; Familial Transthyretin Amyloidosis; Isolated Cardiac Amyloidosis; Amyloid Cardiomyopathy, Transthyretin-related; Familial amyloid polyneuropathy. Identifiers: Orphanet 85447, Orphanet 85451, MedGen C2751492, MONDO:0971004, OMIM 105210.

Allele frequency attached by ClinVar (database versions not stated): ExAC 0.00001.
gnomAD v4.1: 1 of 1,614,174 alleles (0.000062%); no homozygotes.

Submission:

Labcorp Genetics (formerly Invitae), Labcorp
Classification: Likely pathogenic for Amyloidosis, hereditary systemic 1. Last evaluated: 2024-08-30. Review status: criteria provided, single submitter. Criteria: Invitae Variant Classification Sherloc (09022015). Collection method: clinical testing. Allele origin: germline.
Comment: This sequence change replaces lysine, which is basic and polar, with glutamine, which is neutral and polar, at codon 90 of the TTR protein (p.Lys90Gln). This variant is present in population databases (rs778412314, gnomAD 0.004%). This variant has not been reported in the literature in individuals affected with TTR-related conditions. ClinVar contains an entry for this variant (Variation ID: 2169603). Invitae Evidence Modeling of protein sequence and biophysical properties (such as structural, functional, and spatial information, amino acid conservation, physicochemical variation, residue mobility, and thermodynamic stability) indicates that this missense variant is expected to disrupt TTR protein function with a positive predictive value of 95%. This variant disrupts the p.Lys90 amino acid residue in TTR. Other variant(s) that disrupt this residue have been determined to be pathogenic (PMID: 1436517). This suggests that this residue is clinically significant, and that variants that disrupt this residue are likely to be disease-causing. In summary, the currently available evidence indicates that the variant is pathogenic, but additional data are needed to prove that conclusively. Therefore, this variant has been classified as Likely Pathogenic.

Literature cited by the submitters: PubMed 1436517.

NM_000371.4(TTR):c.268A>C (p.Lys90Gln)

Gene: TTR (transthyretin; plus strand). Cytogenetic location: 18q12.1.
Variant type: single nucleotide variant.
Coding change: c.268A>C on transcript NM_000371.4 (MANE Select); coding-DNA position 268, A replaced by C.
Protein change: p.Lys90Gln; replaces lysine 90 with glutamine.
Molecular consequence: missense variant.
Genome position (GRCh38, 1-based): chr18:31,595,187, A>C. VCF-style: chr18-31595187-A-C. GRCh37 (hg19) VCF-style: chr18-29175150-A-C.
Other names: short protein forms K90Q.
Identifiers: ClinVar variation 2169603 (VCV002169603.4), dbSNP rs778412314, ClinGen allele CA8928447.